The following is an entry in ClinVar:

ClinVar aggregate classification (germline): Uncertain significance. Review status: criteria provided, multiple submitters, no conflicts (2 of 4 stars). 2 submissions from 2 submitters: Uncertain significance (2). Last evaluated 2024-11-28.

Allele frequency attached by ClinVar (database versions not stated): gnomAD 0.00001; TOPMed 0.00001; gnomAD exomes 0.00003.
gnomAD v4.1: 43 of 1,613,876 alleles (0.0027%); highest among the groups gnomAD compares: Non-Finnish European, 0.0034%; no homozygotes.

Submissions (2):

Ambry Genetics
Classification: Uncertain significance. Last evaluated: 2024-11-28. Review status: criteria provided, single submitter. Criteria: Ambry Variant Classification Scheme 2023. Collection method: clinical testing. Allele origin: germline.
Comment: The p.Y585H variant (also known as c.1753T>C), located in coding exon 18 of the SRP72 gene, results from a T to C substitution at nucleotide position 1753. The tyrosine at codon 585 is replaced by histidine, an amino acid with similar properties. This amino acid position is conserved. In addition, the in silico prediction for this alteration is inconclusive. Based on the available evidence, the clinical significance of this variant remains unclear.

Labcorp Genetics (formerly Invitae), Labcorp
Classification: Uncertain significance. Last evaluated: 2024-05-09. Review status: criteria provided, single submitter. Criteria: Invitae Variant Classification Sherloc (09022015). Collection method: clinical testing. Allele origin: germline.
Comment: This sequence change replaces tyrosine, which is neutral and polar, with histidine, which is basic and polar, at codon 585 of the SRP72 protein (p.Tyr585His). This variant is present in population databases (no rsID available, gnomAD 0.002%). This variant has not been reported in the literature in individuals affected with SRP72-related conditions. Advanced modeling of protein sequence and biophysical properties (such as structural, functional, and spatial information, amino acid conservation, physicochemical variation, residue mobility, and thermodynamic stability) performed at Invitae indicates that this missense variant is not expected to disrupt SRP72 protein function with a negative predictive value of 80%. In summary, the available evidence is currently insufficient to determine the role of this variant in disease. Therefore, it has been classified as a Variant of Uncertain Significance.

NM_006947.4(SRP72):c.1753T>C (p.Tyr585His)

Gene: SRP72 (signal recognition particle 72; plus strand). Cytogenetic location: 4q12.
Variant type: single nucleotide variant.
Coding change: c.1753T>C on transcript NM_006947.4 (MANE Select); coding-DNA position 1753, T replaced by C.
Protein change: p.Tyr585His; replaces tyrosine 585 with histidine.
Molecular consequence: missense variant. On other transcripts: non-coding transcript variant (1).
Genome position (GRCh38, 1-based): chr4:56,500,610, T>C. VCF-style: chr4-56500610-T-C. GRCh37 (hg19) VCF-style: chr4-57366776-T-C.
Other names: c.1570T>C, p.Tyr524His (NM_001267722.2); c.1753T>C (NM_006947.3); short protein forms Y524H, Y585H.
Identifiers: ClinVar variation 2699945 (VCV002699945.4), dbSNP rs942145541, ClinGen allele CA97617060.